The following is an entry in ClinVar:

ClinVar aggregate classification (germline): Uncertain significance (1 of 4 stars; one submission).

Conditions:
BAP1-related tumor predisposition syndrome (TPDS1). Also called: COMMON Syndrome; Tumor susceptibility linked to germline BAP1 mutations; TUMOR PREDISPOSITION SYNDROME 1; BAP1 tumor predisposition syndrome. Identifiers: Orphanet 289539, MedGen C3280492, MONDO:0013692, OMIM 614327.

gnomAD v4.1: 1 of 1,614,206 alleles (0.000062%); highest among the groups gnomAD compares: Non-Finnish European, 0.000085%; no homozygotes.

Submission:

Labcorp Genetics (formerly Invitae), Labcorp
Classification: Uncertain significance for BAP1-related tumor predisposition syndrome. Last evaluated: 2022-12-03. Review status: criteria provided, single submitter. Criteria: Invitae Variant Classification Sherloc (09022015). Collection method: clinical testing. Allele origin: germline.
Comment: This sequence change replaces threonine, which is neutral and polar, with lysine, which is basic and polar, at codon 517 of the BAP1 protein (p.Thr517Lys). This variant is not present in population databases (gnomAD no frequency). In summary, the available evidence is currently insufficient to determine the role of this variant in disease. Therefore, it has been classified as a Variant of Uncertain Significance. Advanced modeling of protein sequence and biophysical properties (such as structural, functional, and spatial information, amino acid conservation, physicochemical variation, residue mobility, and thermodynamic stability) performed at Invitae indicates that this missense variant is not expected to disrupt BAP1 protein function. ClinVar contains an entry for this variant (Variation ID: 412418). This variant has not been reported in the literature in individuals affected with BAP1-related conditions.

NM_004656.4(BAP1):c.1550C>A (p.Thr517Lys)

Gene: BAP1 (BRCA1 associated deubiquitinase 1; minus strand). Cytogenetic location: 3p21.1.
Variant type: single nucleotide variant.
Coding change: c.1550C>A on transcript NM_004656.4 (MANE Select); coding-DNA position 1550, C replaced by A.
Protein change: p.Thr517Lys; replaces threonine 517 with lysine.
Molecular consequence: missense variant.
Genome position (GRCh38, 1-based): chr3:52,403,595, G>T on the plus strand (C>A on the coding strand, the complement: BAP1 is on the minus strand). VCF-style: chr3-52403595-G-T. GRCh37 (hg19) VCF-style: chr3-52437611-G-T.
Other names: short protein forms T517K.
Identifiers: ClinVar variation 412418 (VCV000412418.5), dbSNP rs764748646, ClinGen allele CA16611334.